The following is an entry in ClinVar:

ClinVar aggregate classification (germline): Uncertain significance (1 of 4 stars; one submission).

Allele frequency attached by ClinVar (database versions not stated): gnomAD exomes 0.00001; ExAC 0.00003.
gnomAD v4.1: 10 of 1,600,688 alleles (0.00062%); highest among the groups gnomAD compares: South Asian, 0.011%; no homozygotes.

Submission:

Labcorp Genetics (formerly Invitae), Labcorp
Classification: Uncertain significance. Last evaluated: 2023-05-08. Review status: criteria provided, single submitter. Criteria: Invitae Variant Classification Sherloc (09022015). Collection method: clinical testing. Allele origin: germline.
Comment: This sequence change replaces arginine, which is basic and polar, with threonine, which is neutral and polar, at codon 1028 of the COL18A1 protein (p.Arg1028Thr). This variant is present in population databases (rs767176091, gnomAD 0.01%). This variant has not been reported in the literature in individuals affected with COL18A1-related conditions. ClinVar contains an entry for this variant (Variation ID: 2132217). Experimental studies and prediction algorithms are not available or were not evaluated, and the functional significance of this variant is currently unknown. In summary, the available evidence is currently insufficient to determine the role of this variant in disease. Therefore, it has been classified as a Variant of Uncertain Significance.

NM_001379500.1(COL18A1):c.3092G>C (p.Arg1031Thr)

Genes: COL18A1 (collagen type XVIII alpha 1 chain; plus strand), SLC19A1 (solute carrier family 19 member 1; minus strand). Cytogenetic location: 21q22.3.
Variant type: single nucleotide variant.
Coding change: c.3092G>C on transcript NM_001379500.1 (MANE Select); coding-DNA position 3092, G replaced by C.
Protein change: p.Arg1031Thr; replaces arginine 1031 with threonine.
Molecular consequence: missense variant.
Genome position (GRCh38, 1-based): chr21:45,505,842, G>C. VCF-style: chr21-45505842-G-C. GRCh37 (hg19) VCF-style: chr21-46925756-G-C.
Other names: c.3623G>C, p.Arg1208Thr (NM_030582.4); c.4328G>C, p.Arg1443Thr (NM_130444.3); short protein forms R1443T, R1031T, R1208T.
Identifiers: ClinVar variation 2132217 (VCV002132217.4), dbSNP rs767176091, ClinGen allele CA10067712.
Genomic context (GRCh38, chr21:45,505,842, plus strand): 5'-CCCCTGCCCCCCGCCCTCCCCGCCAAGCCCCACACCTCTGCATTTGGTCCCAGCAGGTGA[G>C]GCTCTGGGCTACACGCCAGGCCATGCTGGGCCAGGTGCACGAGGTTCCCGAGGGCTGGCT-3'
Protein context (NP_001366429.1, residues 1021-1041): PGTMGASSGV[Arg1031Thr]LWATRQAMLG